The following is an entry in ClinVar:

ClinVar aggregate classification (germline): Pathogenic (1 of 4 stars; one submission).

Conditions:
Duchenne muscular dystrophy (DMD). Also called: MUSCULAR DYSTROPHY, PSEUDOHYPERTROPHIC PROGRESSIVE, DUCHENNE TYPE; Duchenne Muscular Dystrophy (DMD). Identifiers: Orphanet 98896, MedGen C0013264, MONDO:0010679, OMIM 310200.

Submission:

Labcorp Genetics (formerly Invitae), Labcorp
Classification: Pathogenic for Duchenne muscular dystrophy. Last evaluated: 2023-07-10. Review status: criteria provided, single submitter. Criteria: Invitae Variant Classification Sherloc (09022015). Collection method: clinical testing. Allele origin: unknown.
Comment: This variant is a gross deletion of the genomic region encompassing exon(s) 17-22 of the DMD gene. This variant would be expected to be in-frame, preserving the integrity of the reading frame. This variant has not been reported in the literature in individuals affected with DMD-related conditions. This variant disrupts a region of the DMD protein in which other variant(s) (p.Gln957Pro) have been determined to be pathogenic (Invitae). This suggests that this is a clinically significant region of the protein, and that variants that disrupt it are likely to be disease-causing. For these reasons, this variant has been classified as Pathogenic.

NC_000023.10:g.(?_32490261)_(32563471_?)del

Gene: DMD (dystrophin; minus strand). Cytogenetic location: Xp21.1.
Variant type: Deletion.
Identifiers: ClinVar variation 3245025 (VCV003245025.1).